The following is an entry in ClinVar:

ClinVar aggregate classification (germline): Uncertain significance (1 of 4 stars; one submission).

Conditions:
Severe combined immunodeficiency, autosomal recessive, T cell-negative, B cell-negative, NK cell-positive. Also called: Severe combined immunodeficiency due to complete RAG1/2 deficiency; SCID, T CELL-NEGATIVE, B CELL-NEGATIVE, NK CELL-POSITIVE; SCID, AR, T-cell negative, B-cell negative, NK cell-positive. Identifiers: Orphanet 331206, MedGen C1832322, MONDO:0011086, OMIM 601457.

Submission:

Neuberg Centre For Genomic Medicine, NCGM
Classification: Uncertain significance for Severe combined immunodeficiency, autosomal recessive, T cell-negative, B cell-negative, NK cell-positive. Last evaluated: 2023-05-20. Review status: criteria provided, single submitter. Criteria: ACMG Guidelines, 2015. Collection method: clinical testing. Allele origin: germline. Inheritance: Autosomal recessive inheritance. Affected: yes.
Comment: The observed missense variant c.2879C>T (p.Ala960Val) in the RAG1 gene has not been reported previously as a pathogenic variant nor as a benign variant, to our knowledge. This variant is reported with the allele frequency 0.003% in the gnomAD Exomes. The amino acid Alanine at position 960 is changed to a Valine changing protein sequence and it might alter its composition and physico-chemical properties. Multiple lines of computational evidence (Polyphen - Damaging, SIFT - Damaging and MutationTaster - Disease causing) predict a damaging effect on protein structure and function for this variant. The residue is conserved by GERP++ and PhyloP across 100 vertebrates. For these reasons, this variant has been classified as Uncertain Significance.

NM_000448.3(RAG1):c.2879C>T (p.Ala960Val)

Gene: RAG1 (recombination activating 1; plus strand). Cytogenetic location: 11p12.
Variant type: single nucleotide variant.
Coding change: c.2879C>T on transcript NM_000448.3 (MANE Select); coding-DNA position 2879, C replaced by T.
Protein change: p.Ala960Val; replaces alanine 960 with valine.
Molecular consequence: missense variant.
Genome position (GRCh38, 1-based): chr11:36,576,183, C>T. VCF-style: chr11-36576183-C-T. GRCh37 (hg19) VCF-style: chr11-36597733-C-T.
Other names: c.2879C>T, p.Ala960Val (NM_001377277.1, NM_001377278.1, NM_001377279.1 and 1 more transcripts); short protein forms A960V.
Identifiers: ClinVar variation 3341474 (VCV003341474.1).